The following is an entry in ClinVar:

ClinVar aggregate classification (germline): Uncertain significance. Review status: criteria provided, multiple submitters, no conflicts (2 of 4 stars). 3 submissions from 3 submitters: Uncertain significance (3). Last evaluated 2025-08-30.

Conditions:
Fanconi anemia complementation group P. Also called: SLX4-Related Fanconi Anemia. Identifiers: Orphanet 84, MedGen C3469542, MONDO:0013499, OMIM 613951.
SLX4-related disorder. Also called: SLX4-related condition.
Fanconi anemia (FA). Also called: Fanconi's anemia. Identifiers: Orphanet 84, MedGen C0015625, MeSH D005199, MONDO:0019391.

Allele frequency attached by ClinVar (database versions not stated): ExAC 0.00001; gnomAD exomes 0.00001.
gnomAD v4.1: 4 of 1,613,932 alleles (0.00025%); highest among the groups gnomAD compares: Admixed American, 0.0067%; no homozygotes.

Submissions (3):

PreventionGenetics, part of Exact Sciences
Classification: Uncertain significance for SLX4-related condition. Last evaluated: 2025-08-30. Review status: criteria provided, single submitter. Criteria: ACMG Guidelines, 2015. Collection method: clinical testing. Allele origin: germline.
Comment: The SLX4 c.5410C>T variant is predicted to result in the amino acid substitution p.His1804Tyr. To our knowledge, this variant has not been reported in the literature. This variant is reported in 0.0058% of alleles in individuals of Latino descent in gnomAD. At this time, the clinical significance of this variant is uncertain due to the absence of conclusive functional and genetic evidence.

Fulgent Genetics
Classification: Uncertain significance for Fanconi anemia complementation group P. Last evaluated: 2024-05-25. Review status: criteria provided, single submitter. Criteria: ACMG Guidelines, 2015. Collection method: clinical testing. Allele origin: germline.

Labcorp Genetics (formerly Invitae), Labcorp
Classification: Uncertain significance for Fanconi anemia. Last evaluated: 2023-07-07. Review status: criteria provided, single submitter. Criteria: Invitae Variant Classification Sherloc (09022015). Collection method: clinical testing. Allele origin: germline.
Comment: In summary, the available evidence is currently insufficient to determine the role of this variant in disease. Therefore, it has been classified as a Variant of Uncertain Significance. An algorithm developed to predict the effect of missense changes on protein structure and function (PolyPhen-2) suggests that this variant is likely to be disruptive. ClinVar contains an entry for this variant (Variation ID: 1417020). This variant has not been reported in the literature in individuals affected with SLX4-related conditions. This variant is present in population databases (rs772332386, gnomAD 0.009%). This sequence change replaces histidine, which is basic and polar, with tyrosine, which is neutral and polar, at codon 1804 of the SLX4 protein (p.His1804Tyr).

NM_032444.4(SLX4):c.5410C>T (p.His1804Tyr)

Gene: SLX4 (SLX4 structure-specific endonuclease subunit; minus strand). Cytogenetic location: 16p13.3.
Variant type: single nucleotide variant.
Coding change: c.5410C>T on transcript NM_032444.4 (MANE Select); coding-DNA position 5410, C replaced by T.
Protein change: p.His1804Tyr; replaces histidine 1804 with tyrosine.
Molecular consequence: missense variant.
Genome position (GRCh38, 1-based): chr16:3,582,437, G>A on the plus strand (C>T on the coding strand, the complement: SLX4 is on the minus strand). VCF-style: chr16-3582437-G-A. GRCh37 (hg19) VCF-style: chr16-3632438-G-A.
Other names: c.5410C>T (NM_032444.3); short protein forms H1804Y.
Identifiers: ClinVar variation 1417020 (VCV001417020.7), dbSNP rs772332386, ClinGen allele CA7865319.